The following is an entry in ClinVar:

NM_030665.4(RAI1):c.3791A>G (p.Glu1264Gly)

Gene: RAI1 (retinoic acid induced 1; plus strand). Cytogenetic location: 17p11.2.
Variant type: single nucleotide variant.
Coding change: c.3791A>G on transcript NM_030665.4 (MANE Select); coding-DNA position 3791, A replaced by G.
Protein change: p.Glu1264Gly; replaces glutamic acid 1264 with glycine.
Molecular consequence: missense variant.
Genome position (GRCh38, 1-based): chr17:17,796,739, A>G. VCF-style: chr17-17796739-A-G. GRCh37 (hg19) VCF-style: chr17-17700053-A-G.
Other names: short protein forms E1264G.
Identifiers: ClinVar variation 130087 (VCV000130087.20), dbSNP rs61746214, ClinGen allele CA154870.

ClinVar aggregate classification (germline): Benign/Likely benign. Review status: criteria provided, multiple submitters, no conflicts (2 of 4 stars). 7 submissions from 7 submitters: Benign (6); Likely benign (1). Last evaluated 2026-02-03.

Conditions:
Inborn genetic diseases. Identifiers: MedGen C0950123, MeSH D030342.

Allele frequency attached by ClinVar (database versions not stated): gnomAD exomes 0.00066 and 0.00173; ExAC 0.00212; 1000 Genomes Project 30x 0.00578; 1000 Genomes Project 0.00579; gnomAD 0.00664 and 0.00717; ESP Exome Variant Server 0.00692; TOPMed 0.00811.
gnomAD v4.1: 2,021 of 1,613,466 alleles (0.13%); highest among the groups gnomAD compares: African/African-American, 2.4%; 21 homozygotes.

Submissions (7):

Labcorp Genetics (formerly Invitae), Labcorp
Classification: Benign. Last evaluated: 2026-02-03. Review status: criteria provided, single submitter. Criteria: Invitae Variant Classification Sherloc (09022015). Collection method: clinical testing. Allele origin: germline.

Genomic Medicine Center of Excellence, King Faisal Specialist Hospital and Research Centre
Classification: Likely benign. Last evaluated: 2025-08-18. Review status: criteria provided, single submitter. Criteria: ACMG Guidelines, 2015. Collection method: clinical testing. Allele origin: germline.

Ambry Genetics
Classification: Benign for Inborn genetic diseases. Last evaluated: 2016-03-16. Review status: criteria provided, single submitter. Criteria: Ambry Variant Classification Scheme 2023. Collection method: clinical testing. Allele origin: germline.

GeneDx
Classification: Benign. Last evaluated: 2015-06-15. Review status: criteria provided, single submitter. Criteria: GeneDx Variant Classification (06012015). Collection method: clinical testing. Allele origin: germline. Affected: yes.
Comment: This variant is considered likely benign or benign based on one or more of the following criteria: it is a conservative change, it occurs at a poorly conserved position in the protein, it is predicted to be benign by multiple in silico algorithms, and/or has population frequency not consistent with disease.

Genetic Services Laboratory, University of Chicago
Classification: Benign for AllHighlyPenetrant. Last evaluated: 2014-03-21. Review status: criteria provided, single submitter. Criteria: ACMG Guidelines, 2007. Collection method: clinical testing. Allele origin: germline. Inheritance: Autosomal dominant inheritance.

Breakthrough Genomics
Classification: Benign. Review status: criteria provided, single submitter. Criteria: ACMG Guidelines, 2015. Collection method: not provided. Allele origin: germline. Inheritance: Autosomal dominant inheritance. Affected: yes.

PreventionGenetics, part of Exact Sciences
Classification: Benign. Review status: criteria provided, single submitter. Criteria: ACMG Guidelines, 2015. Collection method: clinical testing. Allele origin: germline.

Literature cited by the submitters: PubMed 21857958 (cited by Ambry Genetics).